The following is an entry in ClinVar:

NC_000011.10:g.47347683G>A

Gene: MYBPC3 (myosin binding protein C3; minus strand). Cytogenetic location: 11p11.2.
Variant type: single nucleotide variant.
Genome position: GRCh38 VCF-style: chr11-47347683-G-A. GRCh37 (hg19) VCF-style: chr11-47369234-G-A.
Other names: c.822-3C>T (LRG_386t1, NM_000256.3).
Identifiers: ClinVar variation 181051 (VCV000181051.14), dbSNP rs730880628, ClinGen allele CA015918.

ClinVar aggregate classification (germline): Conflicting classifications of pathogenicity. Review status: criteria provided, conflicting classifications (1 of 4 stars). 5 submissions from 5 submitters: Uncertain significance (3); Likely benign (2). Last evaluated 2024-02-22.

Conditions:
Cardiomyopathy (CMYO). Also called: Cardiomyopathies. Identifiers: Orphanet 167848, MedGen C0878544, MONDO:0004994, HP:0001638. Inheritance: Various modes of inheritance.
Hypertrophic cardiomyopathy. Also called: HYPERTROPHIC MYOCARDIOPATHY. Identifiers: Orphanet 217569, MedGen C0007194, MeSH D002312, MONDO:0005045, HP:0001639.

Allele frequency attached by ClinVar (database versions not stated): gnomAD 0.00001; gnomAD exomes 0.00001; ExAC 0.00004.
gnomAD v4.1: 9 of 1,571,042 alleles (0.00057%); highest among the groups gnomAD compares: Middle Eastern, 0.018%; no homozygotes.

Submissions (5):

All of Us Research Program, National Institutes of Health
Classification: Likely benign for Hypertrophic cardiomyopathy. Last evaluated: 2024-02-22. Review status: criteria provided, single submitter. Criteria: ACMG Guidelines, 2015. Collection method: clinical testing. Allele origin: germline. Inheritance: Autosomal dominant inheritance. Observed: 1 variant allele, 1 heterozygote.
Comment: This study involves interpretation of variants in research participants for the purpose of population health screening. Participant phenotype was not available at the time of variant classification. Additional details can be found in publication PMID: 35346344, PMCID: PMC8962531

Labcorp Genetics (formerly Invitae), Labcorp
Classification: Uncertain significance for Hypertrophic cardiomyopathy. Last evaluated: 2022-09-06. Review status: criteria provided, single submitter. Criteria: Invitae Variant Classification Sherloc (09022015). Collection method: clinical testing. Allele origin: germline.
Comment: This sequence change falls in intron 7 of the MYBPC3 gene. It does not directly change the encoded amino acid sequence of the MYBPC3 protein. It affects a nucleotide within the consensus splice site. The frequency data for this variant in the population databases is considered unreliable, as metrics indicate poor data quality at this position in the gnomAD database. This variant has not been reported in the literature in individuals affected with MYBPC3-related conditions. ClinVar contains an entry for this variant (Variation ID: 181051). Variants that disrupt the consensus splice site are a relatively common cause of aberrant splicing (PMID: 17576681, 9536098). Algorithms developed to predict the effect of sequence changes on RNA splicing suggest that this variant is not likely to affect RNA splicing. In summary, the available evidence is currently insufficient to determine the role of this variant in disease. Therefore, it has been classified as a Variant of Uncertain Significance.

GeneDx
Classification: Uncertain significance. Last evaluated: 2021-01-25. Review status: criteria provided, single submitter. Criteria: GeneDx Variant Classification Process June 2021. Collection method: clinical testing. Allele origin: germline. Affected: yes.
Comment: Has not been previously published as pathogenic or benign to our knowledge; In-silico analysis, which includes splice predictors and evolutionary conservation, is inconclusive as to whether the variant alters gene splicing. In the absence of RNA/functional studies, the actual effect of this sequence change is unknown.

Color Diagnostics, LLC DBA Color Health
Classification: Likely benign for Cardiomyopathy. Last evaluated: 2018-12-03. Review status: criteria provided, single submitter. Criteria: ACMG Guidelines, 2015. Collection method: clinical testing. Allele origin: germline.

Blueprint Genetics
Classification: Uncertain significance. Last evaluated: 2017-09-06. Review status: criteria provided, single submitter. Criteria: ACMG Guidelines, 2015. Collection method: clinical testing. Allele origin: germline.

Literature cited by the submitters: PubMed 17576681 (cited by Labcorp Genetics (formerly Invitae), Labcorp); PubMed 9536098 (cited by Labcorp Genetics (formerly Invitae), Labcorp).